The following is an entry in ClinVar:

ClinVar aggregate classification (germline): Benign. Review status: criteria provided, multiple submitters, no conflicts (2 of 4 stars). 2 submissions from 2 submitters: Benign (2). Last evaluated 2018-01-12.

Conditions:
Knobloch syndrome (KNO). Also called: RETINAL DETACHMENT AND OCCIPITAL ENCEPHALOCELE; Myopia retinal detachment encephalocele. Identifiers: Orphanet 1571, MedGen C1849409, MONDO:0800166.

Allele frequency attached by ClinVar (database versions not stated): gnomAD exomes 0.00257 and 0.00532; ESP Exome Variant Server 0.00642; gnomAD 0.00643 and 0.00675; ExAC 0.00646; TOPMed 0.00695; 1000 Genomes Project 30x 0.01327; 1000 Genomes Project 0.01378.
gnomAD v4.1: 4,837 of 1,611,836 alleles (0.3%); highest among the groups gnomAD compares: South Asian, 2.2%; 67 homozygotes.

Submissions (2):

Illumina Laboratory Services, Illumina
Classification: Benign for Knobloch syndrome 1. Last evaluated: 2018-01-12. Review status: criteria provided, single submitter. Criteria: ICSL Variant Classification Criteria 13 December 2019. Collection method: clinical testing. Allele origin: germline.
Comment: This variant was observed in the ICSL laboratory as part of a predisposition screen in an ostensibly healthy population. It had not been previously curated by ICSL or reported in the Human Gene Mutation Database (HGMD: prior to June 1st, 2018), and was therefore a candidate for classification through an automated scoring system. Utilizing variant allele frequency, disease prevalence and penetrance estimates, and inheritance mode, an automated score was calculated to assess if this variant is too frequent to cause the disease. Based on the score and internal cut-off values, a variant classified as benign is not then subjected to further curation. The score for this variant resulted in a classification of benign for this disease.

Breakthrough Genomics
Classification: Benign. Review status: criteria provided, single submitter. Criteria: ACMG Guidelines, 2015. Collection method: not provided. Allele origin: germline. Inheritance: Autosomal recessive inheritance. Affected: yes.

NM_001379500.1(COL18A1):c.*6G>A

Genes: COL18A1 (collagen type XVIII alpha 1 chain; plus strand), SLC19A1 (solute carrier family 19 member 1; minus strand). Cytogenetic location: 21q22.3.
Variant type: single nucleotide variant.
Coding change: c.*6G>A on transcript NM_001379500.1 (MANE Select); 6 bases downstream of the stop codon, G replaced by A.
Molecular consequence: 3 prime UTR variant.
Genome position (GRCh38, 1-based): chr21:45,512,404, G>A. VCF-style: chr21-45512404-G-A. GRCh37 (hg19) VCF-style: chr21-46932318-G-A.
Other names: NM_130445.2:c.*6G>A; c.*6G>A (NM_030582.4, NM_130444.3).
Identifiers: ClinVar variation 897302 (VCV000897302.5), dbSNP rs138930698, ClinGen allele CA10068158.